The following is an entry in ClinVar:

NM_015346.4(ZFYVE26):c.1387C>T (p.Leu463Phe)

Gene: ZFYVE26 (zinc finger FYVE-type containing 26; minus strand). Cytogenetic location: 14q24.1.
Variant type: single nucleotide variant.
Coding change: c.1387C>T on transcript NM_015346.4 (MANE Select); coding-DNA position 1387, C replaced by T.
Protein change: p.Leu463Phe; replaces leucine 463 with phenylalanine.
Molecular consequence: missense variant.
Genome position (GRCh38, 1-based): chr14:67,804,149, G>A on the plus strand (C>T on the coding strand, the complement: ZFYVE26 is on the minus strand). VCF-style: chr14-67804149-G-A. GRCh37 (hg19) VCF-style: chr14-68270866-G-A.
Other names: short protein forms L463F.
Identifiers: ClinVar variation 888509 (VCV000888509.9), dbSNP rs556064894, ClinGen allele CA7240537.

ClinVar aggregate classification (germline): Uncertain significance. Review status: criteria provided, multiple submitters, no conflicts (2 of 4 stars). 4 submissions from 4 submitters: Uncertain significance (4). Last evaluated 2022-04-01.

Conditions:
Spastic paraplegia. Identifiers: MedGen C0037772, HP:0001258.
Inborn genetic diseases. Identifiers: MedGen C0950123, MeSH D030342.
Hereditary spastic paraplegia. Also called: Familial spastic paraparesis. Identifiers: Orphanet 685, MedGen C0037773, MONDO:0019064. Disease mechanism: loss of function.
Hereditary spastic paraplegia 15 (SPG15). Also called: SPASTIC PARAPLEGIA 15, AUTOSOMAL RECESSIVE; KJELLIN SYNDROME; SPASTIC PARAPLEGIA AND RETINAL DEGENERATION. Identifiers: Orphanet 100996, MedGen C1849128, MONDO:0010044, OMIM 270700.

Allele frequency attached by ClinVar (database versions not stated): ExAC 0.00002; TOPMed 0.00002; gnomAD 0.00003 and 0.00004; gnomAD exomes 0.00004.
gnomAD v4.1: 99 of 1,614,098 alleles (0.0061%); highest among the groups gnomAD compares: Admixed American, 0.0083%; no homozygotes.

Submissions (4):

Labcorp Genetics (formerly Invitae), Labcorp
Classification: Uncertain significance for Spastic paraplegia. Last evaluated: 2022-04-01. Review status: criteria provided, single submitter. Criteria: Invitae Variant Classification Sherloc (09022015). Collection method: clinical testing. Allele origin: germline.
Comment: This sequence change replaces leucine, which is neutral and non-polar, with phenylalanine, which is neutral and non-polar, at codon 463 of the ZFYVE26 protein (p.Leu463Phe). This variant is present in population databases (rs556064894, gnomAD 0.007%). This variant has not been reported in the literature in individuals affected with ZFYVE26-related conditions. ClinVar contains an entry for this variant (Variation ID: 888509). Algorithms developed to predict the effect of missense changes on protein structure and function are either unavailable or do not agree on the potential impact of this missense change (SIFT: "Tolerated"; PolyPhen-2: "Probably Damaging"; Align-GVGD: "Class C0"). In summary, the available evidence is currently insufficient to determine the role of this variant in disease. Therefore, it has been classified as a Variant of Uncertain Significance.

Ambry Genetics
Classification: Uncertain significance for Inborn genetic diseases. Last evaluated: 2021-09-16. Review status: criteria provided, single submitter. Criteria: Ambry Variant Classification Scheme 2023. Collection method: clinical testing. Allele origin: germline.

Illumina Laboratory Services, Illumina
Classification: Uncertain significance for Hereditary spastic paraplegia 15. Last evaluated: 2018-01-12. Review status: criteria provided, single submitter. Criteria: ICSL Variant Classification Criteria 13 December 2019. Collection method: clinical testing. Allele origin: germline.

Genome Diagnostics Laboratory, The Hospital for Sick Children
Classification: Uncertain significance for Hereditary spastic paraplegia. Last evaluated: 2016-12-12. Review status: criteria provided, single submitter. Criteria: ACMG Guidelines, 2015. Collection method: clinical testing. Allele origin: germline. Affected: yes.